The following is an entry in ClinVar:

NM_001393586.1(MYO7B):c.2878G>A (p.Glu960Lys)

Gene: MYO7B (myosin VIIB; plus strand). Cytogenetic location: 2q14.3.
Variant type: single nucleotide variant.
Coding change: c.2878G>A on transcript NM_001393586.1 (MANE Select); coding-DNA position 2878, G replaced by A.
Protein change: p.Glu960Lys; replaces glutamic acid 960 with lysine.
Molecular consequence: missense variant.
Genome position (GRCh38, 1-based): chr2:127,609,569, G>A. VCF-style: chr2-127609569-G-A. GRCh37 (hg19) VCF-style: chr2-128367144-G-A.
Other names: c.2878G>A, p.Glu960Lys (NM_001080527.2); short protein forms E960K.
Identifiers: ClinVar variation 3045359 (VCV003045359.2), dbSNP rs200386846, ClinGen allele CA1861260.
Genomic context (GRCh38, chr2:127,609,569, plus strand): 5'-CTGGAATCGAAGACCCAGAAGCTGCTTGAGGTTGACCTGGACACAGTCCCCATGGCGGAG[G>A]AGCCTGAGGAGGATGTGGATGGCCTGGCCGAGTACACCTTCCCCAAGTTTGCTGTGACTT-3'
Protein context (NP_001380515.1, residues 950-970): VDLDTVPMAE[Glu960Lys]PEEDVDGLAE

ClinVar aggregate classification (germline): Likely benign (0 of 4 stars; one submission).

Conditions:
MYO7B-related disorder. Also called: MYO7B-related condition.

Allele frequency attached by ClinVar (database versions not stated): 1000 Genomes Project 0.00100; 1000 Genomes Project 30x 0.00109; ESP Exome Variant Server 0.00143; TOPMed 0.00212.
gnomAD v4.1: 551 of 1,613,966 alleles (0.034%); highest among the groups gnomAD compares: African/African-American, 0.61%; 3 homozygotes.

Submission:

PreventionGenetics, part of Exact Sciences
Classification: Likely benign for MYO7B-related condition. Last evaluated: 2019-03-08. Review status: no assertion criteria provided. Collection method: clinical testing. Allele origin: germline.
Comment: This variant is classified as likely benign based on ACMG/AMP sequence variant interpretation guidelines (Richards et al. 2015 PMID: 25741868, with internal and published modifications).